The following is an entry in ClinVar:

NM_000051.4(ATM):c.2215G>A (p.Glu739Lys)

Gene: ATM (ATM serine/threonine kinase; plus strand). Cytogenetic location: 11q22.3.
Variant type: single nucleotide variant.
Coding change: c.2215G>A on transcript NM_000051.4 (MANE Select); coding-DNA position 2215, G replaced by A.
Protein change: p.Glu739Lys; replaces glutamic acid 739 with lysine.
Molecular consequence: missense variant.
Genome position (GRCh38, 1-based): chr11:108,256,305, G>A. VCF-style: chr11-108256305-G-A. GRCh37 (hg19) VCF-style: chr11-108127032-G-A.
Other names: c.2215G>A, p.Glu739Lys (NM_001351834.2); short protein forms E739K.
Identifiers: ClinVar variation 566050 (VCV000566050.27), dbSNP rs1565395076, ClinGen allele CA382539080.
Genomic context (GRCh38, chr11:108,256,305, plus strand): 5'-TCACGTCTTTTGGTGGGTGTCCTTGGCTGCTACTGTTACATGGGTGTAATAGCTGAAGAG[G>A]AAGCATATAAGTCAGAATTATTCCAGAAAGCCAAGGTAGGAGAATTTATACTAATAAAGT-3'
Protein context (NP_000042.3, residues 729-749): YCYMGVIAEE[Glu739Lys]AYKSELFQKA

ClinVar aggregate classification (germline): Uncertain significance. Review status: criteria provided, multiple submitters, no conflicts (2 of 4 stars). 5 submissions from 5 submitters: Uncertain significance (4). 1 of the submissions does not count toward it. Last evaluated 2025-05-26.

Conditions:
Hereditary cancer-predisposing syndrome. Also called: Neoplastic Syndromes, Hereditary; Tumor predisposition; Hereditary Cancer Syndrome; Hereditary neoplastic syndrome. Identifiers: Orphanet 140162, MedGen C0027672, MeSH D009386, MONDO:0015356.
Ataxia-telangiectasia syndrome (AT). Also called: Ataxia telangiectasia (A-T); Ataxia-telangiectasia, complementation group D; AT, COMPLEMENTATION GROUP C; ATAXIA-TELANGIECTASIA, COMPLEMENTATION GROUP A; Ataxia-telangiectasia, complementation group E; ATAXIA-TELANGIECTASIA, FRESNO VARIANT. Identifiers: Orphanet 100, MedGen C0004135, MONDO:0008840, OMIM 208900.

Allele frequency attached by ClinVar (database versions not stated): TOPMed 0.00001.

Submissions (5):

Labcorp Genetics (formerly Invitae), Labcorp
Classification: Uncertain significance for Ataxia-telangiectasia syndrome. Last evaluated: 2025-05-26. Review status: criteria provided, single submitter. Criteria: Invitae Variant Classification Sherloc (09022015). Collection method: clinical testing. Allele origin: germline.
Comment: This sequence change replaces glutamic acid, which is acidic and polar, with lysine, which is basic and polar, at codon 739 of the ATM protein (p.Glu739Lys). This variant is not present in population databases (gnomAD no frequency). This variant has not been reported in the literature in individuals affected with ATM-related conditions. ClinVar contains an entry for this variant (Variation ID: 566050). Invitae Evidence Modeling of protein sequence and biophysical properties (such as structural, functional, and spatial information, amino acid conservation, physicochemical variation, residue mobility, and thermodynamic stability) indicates that this missense variant is not expected to disrupt ATM protein function with a negative predictive value of 95%. In summary, the available evidence is currently insufficient to determine the role of this variant in disease. Therefore, it has been classified as a Variant of Uncertain Significance.

Ambry Genetics
Classification: Uncertain significance for Hereditary cancer-predisposing syndrome. Last evaluated: 2024-04-13. Review status: criteria provided, single submitter. Criteria: Ambry Variant Classification Scheme 2023. Collection method: clinical testing. Allele origin: germline.
Comment: The p.E739K variant (also known as c.2215G>A), located in coding exon 13 of the ATM gene, results from a G to A substitution at nucleotide position 2215. The glutamic acid at codon 739 is replaced by lysine, an amino acid with similar properties. This alteration was observed in 1/1054 BRCA mutation-negative Hispanic women with hereditary breast cancer and was not observed in 1199 controls.(Weitzel JN et al. Cancer, 2019 08;125:2829-2836). This amino acid position is not well conserved in available vertebrate species. In addition, this alteration is predicted to be tolerated by in silico analysis. Since supporting evidence is limited at this time, the clinical significance of this alteration remains unclear.

Color Diagnostics, LLC DBA Color Health
Classification: Uncertain significance for Hereditary cancer-predisposing syndrome. Last evaluated: 2020-11-10. Review status: criteria provided, single submitter. Criteria: ACMG Guidelines, 2015. Collection method: clinical testing. Allele origin: germline.
Comment: This missense variant replaces glutamic acid with lysine at codon 739 of the ATM protein. Computational prediction suggests that this variant may not impact protein structure and function (internally defined REVEL score threshold <= 0.5, PMID: 27666373). To our knowledge, functional studies have not been reported for this variant. This variant has not been reported in individuals affected with hereditary cancer in the literature. This variant has not been identified in the general population by the Genome Aggregation Database (gnomAD). The available evidence is insufficient to determine the role of this variant in disease conclusively. Therefore, this variant is classified as a Variant of Uncertain Significance.

GeneDx
Classification: Uncertain significance. Last evaluated: 2019-04-29. Review status: criteria provided, single submitter. Criteria: GeneDx Variant Classification Process June 2021. Collection method: clinical testing. Allele origin: germline. Affected: yes.
Comment: Not observed in large population cohorts (Lek et al., 2016); In silico analysis, which includes protein predictors and evolutionary conservation, supports that this variant does not alter protein structure/function; Has not been previously published as pathogenic or benign to our knowledge

Natera, Inc.
Classification: Uncertain significance for Ataxia-telangiectasia. Last evaluated: 2021-05-21. Review status: no assertion criteria provided. Collection method: clinical testing. Allele origin: germline. Not counted in ClinVar's aggregate classification.

Literature cited by the submitters: PubMed 31206626 (cited by Ambry Genetics).